The following is an entry in ClinVar:

ClinVar aggregate classification (germline): Uncertain significance (1 of 4 stars; one submission).

Conditions:
Juvenile polyposis syndrome (JPS). Identifiers: Orphanet 2929, MedGen C0345893, MONDO:0017380, OMIM 174900.

Submission:

Labcorp Genetics (formerly Invitae), Labcorp
Classification: Uncertain significance for Juvenile polyposis syndrome. Last evaluated: 2019-07-31. Review status: criteria provided, single submitter. Criteria: Invitae Variant Classification Sherloc (09022015). Collection method: clinical testing. Allele origin: germline.
Comment: This variant is not present in population databases (ExAC no frequency). In summary, the available evidence is currently insufficient to determine the role of this variant in disease. Therefore, it has been classified as a Variant of Uncertain Significance. Algorithms developed to predict the effect of missense changes on protein structure and function (SIFT, PolyPhen-2, Align-GVGD) all suggest that this variant is likely to be tolerated, but these predictions have not been confirmed by published functional studies and their clinical significance is uncertain. This variant has not been reported in the literature in individuals with SMAD4-related conditions. This sequence change replaces threonine with serine at codon 269 of the SMAD4 protein (p.Thr269Ser). The threonine residue is moderately conserved and there is a small physicochemical difference between threonine and serine.

NM_005359.6(SMAD4):c.806C>G (p.Thr269Ser)

Gene: SMAD4 (SMAD family member 4; plus strand). Cytogenetic location: 18q21.2.
Variant type: single nucleotide variant.
Coding change: c.806C>G on transcript NM_005359.6 (MANE Select); coding-DNA position 806, C replaced by G.
Protein change: p.Thr269Ser; replaces threonine 269 with serine.
Molecular consequence: missense variant.
Genome position (GRCh38, 1-based): chr18:51,058,358, C>G. VCF-style: chr18-51058358-C-G. GRCh37 (hg19) VCF-style: chr18-48584728-C-G.
Other names: short protein forms T269S.
Identifiers: ClinVar variation 936866 (VCV000936866.9), dbSNP rs1909899785, ClinGen allele CA402463330.